The following is an entry in ClinVar:

ClinVar aggregate classification (germline): Uncertain significance (1 of 4 stars; one submission).

Conditions:
Hereditary breast ovarian cancer syndrome. Also called: Hereditary breast and ovarian cancer; Hereditary breast and ovarian cancer syndrome; Breast and ovarian cancer; BRCA1- and BRCA2-Associated Hereditary Breast and Ovarian Cancer; Hereditary breast and ovarian cancer syndrome (HBOC); Hereditary breast and/or ovarian cancer syndrome. Identifiers: Orphanet 145, MedGen C0677776, MeSH D061325, MONDO:0003582. Disease mechanism: loss of function.

Submission:

Labcorp Genetics (formerly Invitae), Labcorp
Classification: Uncertain significance for Hereditary breast ovarian cancer syndrome. Last evaluated: 2022-11-09. Review status: criteria provided, single submitter. Criteria: Invitae Variant Classification Sherloc (09022015). Collection method: clinical testing. Allele origin: germline.
Comment: In summary, the available evidence is currently insufficient to determine the role of this variant in disease. Therefore, it has been classified as a Variant of Uncertain Significance. Advanced modeling of protein sequence and biophysical properties (such as structural, functional, and spatial information, amino acid conservation, physicochemical variation, residue mobility, and thermodynamic stability) performed at Invitae indicates that this missense variant is not expected to disrupt BRCA2 protein function. This variant has not been reported in the literature in individuals affected with BRCA2-related conditions. This variant is not present in population databases (gnomAD no frequency). This sequence change replaces serine, which is neutral and polar, with cysteine, which is neutral and slightly polar, at codon 2156 of the BRCA2 protein (p.Ser2156Cys).

NM_000059.4(BRCA2):c.6467C>G (p.Ser2156Cys)

Gene: BRCA2 (BRCA2 DNA repair associated; plus strand). Cytogenetic location: 13q13.1.
Variant type: single nucleotide variant.
Coding change: c.6467C>G on transcript NM_000059.4 (MANE Select); coding-DNA position 6467, C replaced by G.
Protein change: p.Ser2156Cys; replaces serine 2156 with cysteine.
Molecular consequence: missense variant. On other transcripts: non-coding transcript variant (1), intron variant (2).
Genome position (GRCh38, 1-based): chr13:32,340,822, C>G. VCF-style: chr13-32340822-C-G. GRCh37 (hg19) VCF-style: chr13-32914959-C-G.
Other names: c.6467C>G, p.Ser2156Cys (NM_001406719.1, NM_001406720.1); c.1910-3736C>G (NM_001406721.1); c.425-3736C>G (NM_001406722.1); short protein forms S2156C.
Identifiers: ClinVar variation 2813098 (VCV002813098.3), dbSNP rs765575482, ClinGen allele CA387789386.
Genomic context (GRCh38, chr13:32,340,822, plus strand): 5'-TAAATGTTGAAGGTGGTTCTTCAGAAAATAATCACTCTATTAAAGTTTCTCCATATCTCT[C>G]TCAATTTCAACAAGACAAACAACAGTTGGTATTAGGAACCAAAGTGTCACTTGTTGAGAA-3'
Protein context (NP_000050.3, residues 2146-2166): NHSIKVSPYL[Ser2156Cys]QFQQDKQQLV